The following is an entry in ClinVar:

NM_020529.3(NFKBIA):c.572C>T (p.Ser191Phe)

Gene: NFKBIA (NFKB inhibitor alpha; minus strand). Cytogenetic location: 14q13.2.
Variant type: single nucleotide variant.
Coding change: c.572C>T on transcript NM_020529.3 (MANE Select); coding-DNA position 572, C replaced by T.
Protein change: p.Ser191Phe; replaces serine 191 with phenylalanine.
Molecular consequence: missense variant.
Genome position (GRCh38, 1-based): chr14:35,402,835, G>A on the plus strand (C>T on the coding strand, the complement: NFKBIA is on the minus strand). VCF-style: chr14-35402835-G-A. GRCh37 (hg19) VCF-style: chr14-35872041-G-A.
Other names: short protein forms S191F.
Identifiers: ClinVar variation 1365282 (VCV001365282.8), dbSNP rs2138831210, ClinGen allele CA389452576.
Genomic context (GRCh38, chr14:35,402,835, plus strand): 5'-GCATTGACATCAGCACCCAAGGACACCAAAAGCTCCACGATGCCCAGGTAGCCATGGATA[G>A]AGGCTAAGTGTAGACACGTGTGGCCTGGAAGAACAAAAGGAAAAAAGTATAACCACCTGT-3'
Protein context (NP_065390.1, residues 181-201): YNGHTCLHLA[Ser191Phe]IHGYLGIVEL

ClinVar aggregate classification (germline): Uncertain significance (1 of 4 stars; one submission).

Conditions:
Ectodermal dysplasia and immunodeficiency 2. Identifiers: Orphanet 238468, Orphanet 98813, MedGen C2677481, MONDO:0012806, OMIM 612132.

Submission:

Labcorp Genetics (formerly Invitae), Labcorp
Classification: Uncertain significance for Ectodermal dysplasia and immunodeficiency 2. Last evaluated: 2021-01-16. Review status: criteria provided, single submitter. Criteria: Invitae Variant Classification Sherloc (09022015). Collection method: clinical testing. Allele origin: germline.
Comment: In summary, the available evidence is currently insufficient to determine the role of this variant in disease. Therefore, it has been classified as a Variant of Uncertain Significance. Algorithms developed to predict the effect of missense changes on protein structure and function are either unavailable or do not agree on the potential impact of this missense change (SIFT: "Deleterious"; PolyPhen-2: "Probably Damaging"; Align-GVGD: "Class C15"). This variant has not been reported in the literature in individuals with NFKBIA-related conditions. This variant is not present in population databases (ExAC no frequency). This sequence change replaces serine with phenylalanine at codon 191 of the NFKBIA protein (p.Ser191Phe). The serine residue is highly conserved and there is a large physicochemical difference between serine and phenylalanine.